The following is an entry in ClinVar:

NM_020693.4(DSCAML1):c.5478C>A (p.His1826Gln)

Gene: DSCAML1 (DS cell adhesion molecule like 1; minus strand). Cytogenetic location: 11q23.3.
Variant type: single nucleotide variant.
Coding change: c.5478C>A on transcript NM_020693.4 (MANE Select); coding-DNA position 5478, C replaced by A.
Protein change: p.His1826Gln; replaces histidine 1826 with glutamine.
Molecular consequence: missense variant.
Genome position (GRCh38, 1-based): chr11:117,430,930, G>T on the plus strand (C>A on the coding strand, the complement: DSCAML1 is on the minus strand). VCF-style: chr11-117430930-G-T. GRCh37 (hg19) VCF-style: chr11-117301646-G-T.
Other names: short protein forms H1826Q.
Identifiers: ClinVar variation 1489602 (VCV001489602.6), dbSNP rs146220477, ClinGen allele CA382753061.

ClinVar aggregate classification (germline): Uncertain significance (1 of 4 stars; one submission).

Submission:

Labcorp Genetics (formerly Invitae), Labcorp
Classification: Uncertain significance. Last evaluated: 2022-12-02. Review status: criteria provided, single submitter. Criteria: Invitae Variant Classification Sherloc (09022015). Collection method: clinical testing. Allele origin: germline.
Comment: In summary, the available evidence is currently insufficient to determine the role of this variant in disease. Therefore, it has been classified as a Variant of Uncertain Significance. Algorithms developed to predict the effect of missense changes on protein structure and function output the following: SIFT: "Deleterious"; PolyPhen-2: "Probably Damaging"; Align-GVGD: "Class C15". The glutamine amino acid residue is found in multiple mammalian species, which suggests that this missense change does not adversely affect protein function. ClinVar contains an entry for this variant (Variation ID: 1489602). This variant has not been reported in the literature in individuals affected with DSCAML1-related conditions. This variant is not present in population databases (gnomAD no frequency). This sequence change replaces histidine, which is basic and polar, with glutamine, which is neutral and polar, at codon 1886 of the DSCAML1 protein (p.His1886Gln).